The following is an entry in ClinVar:

NM_004320.6(ATP2A1):c.2333C>T (p.Thr778Ile)

Gene: ATP2A1 (ATPase sarcoplasmic/endoplasmic reticulum Ca2+ transporting 1; plus strand). Cytogenetic location: 16p11.2.
Variant type: single nucleotide variant.
Coding change: c.2333C>T on transcript NM_004320.6 (MANE Select); coding-DNA position 2333, C replaced by T.
Protein change: p.Thr778Ile; replaces threonine 778 with isoleucine.
Molecular consequence: missense variant.
Genome position (GRCh38, 1-based): chr16:28,902,195, C>T. VCF-style: chr16-28902195-C-T. GRCh37 (hg19) VCF-style: chr16-28913516-C-T.
Other names: c.1958C>T, p.Thr653Ile (NM_001286075.2); c.2333C>T, p.Thr778Ile (NM_173201.5); short protein forms T653I, T778I.
Identifiers: ClinVar variation 1003109 (VCV001003109.9), dbSNP rs1964095829, ClinGen allele CA395413500.

ClinVar aggregate classification (germline): Uncertain significance (1 of 4 stars; one submission).

Conditions:
Brody myopathy. Also called: BRODY DISEASE. Identifiers: Orphanet 53347, MedGen C1832918, MONDO:0010977, OMIM 601003.

Allele frequency attached by ClinVar (database versions not stated): gnomAD exomes below 0.00001.
gnomAD v4.1: 1 of 1,614,120 alleles (0.000062%); highest among the groups gnomAD compares: Non-Finnish European, 0.000085%; no homozygotes.

Submission:

Labcorp Genetics (formerly Invitae), Labcorp
Classification: Uncertain significance for Brody myopathy. Last evaluated: 2023-08-30. Review status: criteria provided, single submitter. Criteria: Invitae Variant Classification Sherloc (09022015). Collection method: clinical testing. Allele origin: germline.
Comment: In summary, the available evidence is currently insufficient to determine the role of this variant in disease. Therefore, it has been classified as a Variant of Uncertain Significance. An algorithm developed to predict the effect of missense changes on protein structure and function (PolyPhen-2) suggests that this variant is likely to be disruptive. ClinVar contains an entry for this variant (Variation ID: 1003109). This variant has not been reported in the literature in individuals affected with ATP2A1-related conditions. This variant is not present in population databases (gnomAD no frequency). This sequence change replaces threonine, which is neutral and polar, with isoleucine, which is neutral and non-polar, at codon 778 of the ATP2A1 protein (p.Thr778Ile).